The following is an entry in ClinVar:

ClinVar aggregate classification (germline): Conflicting classifications of pathogenicity. Review status: criteria provided, conflicting classifications (1 of 4 stars). 5 submissions from 5 submitters: Uncertain significance (1); Likely benign (3). 1 of the submissions does not count toward it. Last evaluated 2025-04-09.

Conditions:
RAF1-related disorder. Also called: RAF1-related disorders; RAF1-related condition.
RASopathy. Also called: Noonan spectrum disorder; rasopathies. Identifiers: Orphanet 536391, MedGen C5555857, MONDO:0021060.

Submissions (5):

Molecular Diagnostic Laboratory for Inherited Cardiovascular Disease, Montreal Heart Institute
Classification: Likely benign. Last evaluated: 2025-04-09. Review status: criteria provided, single submitter. Criteria: ACMG Guidelines, 2015. Collection method: clinical testing. Allele origin: germline. Affected: no.

Labcorp Genetics (formerly Invitae), Labcorp
Classification: Likely benign for RASopathy. Last evaluated: 2025-02-26. Review status: criteria provided, single submitter. Criteria: Invitae Variant Classification Sherloc (09022015). Collection method: clinical testing. Allele origin: germline.

Blueprint Genetics
Classification: Likely benign. Last evaluated: 2024-09-12. Review status: criteria provided, single submitter. Criteria: ACMG Guidelines, 2015. Collection method: clinical testing. Allele origin: germline.

Laboratory for Molecular Medicine, Mass General Brigham Personalized Medicine
Classification: Uncertain significance. Last evaluated: 2016-04-07. Review status: criteria provided, single submitter. Criteria: LMM Criteria. Collection method: clinical testing. Allele origin: germline. Observed: 2 variant alleles.
Comment: Variant classified as Uncertain Significance - Favor Benign. It is absent from large population studies, though the ability of these studies to accurately detect indels may be limited. This va riant is located in the 3' splice region. Computational tools do not suggest an impact to splicing. However, this information is not predictive enough to rule o ut pathogenicity. In summary, while the clinical significance of the c.1804-11_1 804-7dupCTTTG variant is uncertain, these data suggest that it is more likely to be benign.

PreventionGenetics, part of Exact Sciences
Classification: Likely benign for RAF1-related condition. Last evaluated: 2021-11-11. Review status: no assertion criteria provided. Collection method: clinical testing. Allele origin: germline. Not counted in ClinVar's aggregate classification.
Comment: This variant is classified as likely benign based on ACMG/AMP sequence variant interpretation guidelines (Richards et al. 2015 PMID: 25741868, with internal and published modifications).

NM_002880.3(RAF1):c.1804-11_1804-7dup

Gene: RAF1 (Raf-1 proto-oncogene, serine/threonine kinase; minus strand). Cytogenetic location: 3p25.2.
Variant type: Duplication.
Coding change: c.1804-11_1804-7dup on transcript NM_002880.3; 11 bases into the intron before coding-DNA position 1804 through 7 bases into the intron before coding-DNA position 1804, 5 bases duplicated (CTTTG; older notation c.1804-11_1804-7dupCTTTG).
Molecular consequence: intron variant.
Genome position (GRCh38, 1-based): chr3:12,584,664-12,584,668, CAAAG duplicated on the plus strand (CTTTG on the coding strand, the reverse complement: RAF1 is on the minus strand); duplicating any 5 consecutive bases within chr3:12,584,664-12,584,669 gives the same sequence; the c. name uses the placement nearest the transcript's 3' end. VCF-style (leftmost placement, unchanged base first): chr3-12584663-A-ACAAAG. GRCh37 (hg19) VCF-style: chr3-12626162-A-ACAAAG.
Other names: c.1804-11_1804-7dup5 (NM_002880.3); c.1462-11_1462-7dup (NM_001354695.3); c.1561-11_1561-7dup (NM_001354692.3, NM_001354691.3); c.1621-11_1621-7dup (NM_001354694.3); c.1705-11_1705-7dup (NM_001354693.3); c.1804-11_1804-7dup (NM_002880.4, NM_001354690.3); c.1864-11_1864-7dup (NM_001354689.3); c.1804-11_1804-7dupCTTTG (NM_002880.3).
Identifiers: ClinVar variation 165004 (VCV000165004.16), dbSNP rs727503382, ClinGen allele CA177677.
Genomic context (GRCh38, chr3:12,584,663, plus strand): 5'-CGCTCCGGTTGATCTTCGGTAGAGAGTGTTGGAGCAGCTCAATGGAAGACAGGATCTGAA[A>ACAAAG]CAAAGCCCAAGAATGCTCTCATTAGCTGTGTCTCAAAGACACAGGATGTACCCTGCCCCC-3'